The following is an entry in ClinVar:

NM_000136.3(FANCC):c.1651C>T (p.Leu551Phe)

Genes: AOPEP (aminopeptidase O (putative); plus strand), FANCC (FA complementation group C; minus strand). Cytogenetic location: 9q22.32.
Variant type: single nucleotide variant.
Coding change: c.1651C>T on transcript NM_000136.3 (MANE Select); coding-DNA position 1651, C replaced by T.
Protein change: p.Leu551Phe; replaces leucine 551 with phenylalanine.
Molecular consequence: missense variant.
Genome position (GRCh38, 1-based): chr9:95,101,733, G>A on the plus strand (C>T on the coding strand, the complement: FANCC is on the minus strand). VCF-style: chr9-95101733-G-A. GRCh37 (hg19) VCF-style: chr9-97864015-G-A.
Other names: c.1651C>T, p.Leu551Phe (NM_001243743.2); short protein forms L551F.
Identifiers: ClinVar variation 3277631 (VCV003277631.1).

ClinVar aggregate classification (germline): Uncertain significance (1 of 4 stars; one submission).

Conditions:
Hereditary cancer-predisposing syndrome. Also called: Tumor predisposition; Hereditary Cancer Syndrome; Hereditary neoplastic syndrome; Neoplastic Syndromes, Hereditary. Identifiers: Orphanet 140162, MedGen C0027672, MeSH D009386, MONDO:0015356.

Submission:

Ambry Genetics
Classification: Uncertain significance for Hereditary cancer-predisposing syndrome. Last evaluated: 2024-04-01. Review status: criteria provided, single submitter. Criteria: Ambry Variant Classification Scheme 2023. Collection method: clinical testing. Allele origin: germline.
Comment: The p.L551F variant (also known as c.1651C>T), located in coding exon 14 of the FANCC gene, results from a C to T substitution at nucleotide position 1651. The leucine at codon 551 is replaced by phenylalanine, an amino acid with highly similar properties. This amino acid position is conserved. In addition, this alteration is predicted to be tolerated by in silico analysis. Based on the available evidence, the clinical significance of this alteration remains unclear.